The following is an entry in ClinVar:

ClinVar aggregate classification (germline): Conflicting classifications of pathogenicity. Review status: criteria provided, conflicting classifications (1 of 4 stars). 9 submissions from 9 submitters: Uncertain significance (5); Likely benign (3). 1 of the submissions does not count toward it. Last evaluated 2025-12-02.

Conditions:
NBN-related disorder. Also called: NBN-related condition.
Hereditary cancer-predisposing syndrome. Also called: Tumor predisposition; Hereditary Cancer Syndrome; Hereditary neoplastic syndrome; Neoplastic Syndromes, Hereditary. Identifiers: Orphanet 140162, MedGen C0027672, MeSH D009386, MONDO:0015356.
Microcephaly, normal intelligence and immunodeficiency (NBS). Also called: IMMUNODEFICIENCY, MICROCEPHALY, AND CHROMOSOMAL INSTABILITY; SEEMANOVA SYNDROME II; Nijmegen breakage syndrome; Microcephaly with normal intelligence immunodeficiency and lymphoreticular malignancies; Nonsyndromal microcephaly autosomal recessive with normal intelligence; Seemanova syndrome 2. Identifiers: Orphanet 647, MedGen C0398791, MONDO:0009623, OMIM 251260.

Allele frequency attached by ClinVar (database versions not stated): gnomAD exomes 0.00001 and 0.00002; TOPMed 0.00003.
gnomAD v4.1: 11 of 1,563,376 alleles (0.0007%); highest among the groups gnomAD compares: Admixed American, 0.018%; no homozygotes.

Submissions (9):

Labcorp Genetics (formerly Invitae), Labcorp
Classification: Likely benign for Microcephaly, normal intelligence and immunodeficiency. Last evaluated: 2025-12-02. Review status: criteria provided, single submitter. Criteria: Invitae Variant Classification Sherloc (09022015). Collection method: clinical testing. Allele origin: germline.

Women's Health and Genetics/Laboratory Corporation of America, LabCorp
Classification: Uncertain significance. Last evaluated: 2025-08-07. Review status: criteria provided, single submitter. Criteria: LabCorp Variant Classification Summary - May 2015. Collection method: clinical testing. Allele origin: germline.
Comment: Variant summary: NBN c.2070+4G>A alters a nucleotide located close to a canonical splice site and therefore could affect mRNA splicing, leading to a significantly altered protein sequence. Consensus agreement among computation tools predict no significant impact on normal splicing. However, these predictions have yet to be confirmed by functional studies. The variant allele was found at a frequency of 1.6e-05 in 250020 control chromosomes. The available data on variant occurrences in the general population are insufficient to allow any conclusion about variant significance. c.2070+4G>A has been reported in the literature as a VUS in a setting of multigene panel testing in an individual affected with breast cancer (Tung_2015). However, this report does not provide information about association of the variant with Nijmegen Breakage Syndrome. To our knowledge, no experimental evidence demonstrating an impact on protein function has been reported. The following publication has been ascertained in the context of this evaluation (PMID: 25186627). ClinVar contains an entry for this variant (Variation ID: 234238). Based on the evidence outlined above, the variant was classified as uncertain significance.

Quest Diagnostics Nichols Institute San Juan Capistrano
Classification: Uncertain significance. Last evaluated: 2024-10-18. Review status: criteria provided, single submitter. Criteria: Quest Diagnostics criteria. Collection method: clinical testing. Allele origin: unknown.
Comment: The NBN c.2070+4G>A variant has been reported in the published literature in an individual with breast cancer (PMID: 25186627 (2015)). The frequency of this variant in the general population, 0.00012 (4/34508 chromosomes (Genome Aggregation Database)), is uninformative in the assessment of its pathogenicity. Analysis of this variant using software algorithms for the prediction of the effect of nucleotide changes on splicing yielded predictions that this variant does not affect NBN mRNA splicing. Based on the available information, we are unable to determine the clinical significance of this variant.

St. Jude Molecular Pathology, St. Jude Children's Research Hospital
Classification: Likely benign for Microcephaly, normal intelligence and immunodeficiency. Last evaluated: 2024-03-12. Review status: criteria provided, single submitter. Criteria: St. Jude Assertion Criteria 2020. Collection method: clinical testing. Allele origin: germline.
Comment: The NBN c.2070+4G>A intronic change results in an G to A substitution at the +4 position of intron 13 of the NBN gene. Algorithms that predict the impact of sequence changes on splicing indicate that this variant does not affect splicing, and this has been confirmed by RNA studies (internal data). This variant has a maximum subpopulation frequency of 0.012% in gnomAD v2.1.1. To our knowledge, this variant has not been reported in individuals with Nijmegan breakage syndrome. In summary, this variant meets criteria to be classified as likely benign.

Ambry Genetics
Classification: Uncertain significance for Hereditary cancer-predisposing syndrome. Last evaluated: 2023-06-02. Review status: criteria provided, single submitter. Criteria: Ambry Variant Classification Scheme 2023. Collection method: clinical testing. Allele origin: germline.
Comment: The c.2070+4G>A intronic variant results from a G to A substitution 4 nucleotides after coding exon 13 in the NBN gene. This nucleotide position is poorly conserved in available vertebrate species. In silico splice site analysis predicts that this alteration will not have any significant effect on splicing. Since supporting evidence is limited at this time, the clinical significance of this alteration remains unclear.

Sema4
Classification: Uncertain significance for Hereditary cancer-predisposing syndrome. Last evaluated: 2021-12-20. Review status: criteria provided, single submitter. Criteria: Sema4 Curation Guidelines. Collection method: curation. Allele origin: germline.
Comment: The NBN c.2070+4G>A variant has not been reported in the literature to our knowledge. This variant was observed in 4/34508 chromosomes in the Latino population according to the Genome Aggregation Database (PMID: 32461654). This variant has been reported in ClinVar (Variation ID: 234238). In silico tools that predict the effect of sequence changes on splicing suggest that this variant may not impact splicing though these predictions have not been confirmed by functional studies. The overall evidence is insufficient to meet ACMG/AMP criteria for classifying it as benign or pathogenic. In summary, the clinical significance of this variant is currently uncertain.

Genome-Nilou Lab
Classification: Uncertain significance for Microcephaly, normal intelligence and immunodeficiency. Last evaluated: 2021-11-07. Review status: criteria provided, single submitter. Criteria: ACMG Guidelines, 2015. Collection method: clinical testing. Allele origin: germline. Affected: no.

GeneDx
Classification: Likely benign. Last evaluated: 2021-02-03. Review status: criteria provided, single submitter. Criteria: GeneDx Variant Classification Process June 2021. Collection method: clinical testing. Allele origin: germline. Affected: yes.

PreventionGenetics, part of Exact Sciences
Classification: Likely benign for NBN-related condition. Last evaluated: 2019-09-18. Review status: no assertion criteria provided. Collection method: clinical testing. Allele origin: germline. Not counted in ClinVar's aggregate classification.
Comment: This variant is classified as likely benign based on ACMG/AMP sequence variant interpretation guidelines (Richards et al. 2015 PMID: 25741868, with internal and published modifications).

Literature cited by the submitters: PubMed 25186627 (cited by Women's Health and Genetics/Laboratory Corporation of America, LabCorp and Quest Diagnostics Nichols Institute San Juan Capistrano).

NM_002485.5(NBN):c.2070+4G>A

Gene: NBN (nibrin; minus strand). Cytogenetic location: 8q21.3.
Variant type: single nucleotide variant.
Coding change: c.2070+4G>A on transcript NM_002485.5 (MANE Select); 4 bases into the intron after coding-DNA position 2070, G replaced by A.
Molecular consequence: intron variant.
Genome position (GRCh38, 1-based): chr8:89,946,136, C>T on the plus strand (G>A on the coding strand, the complement: NBN is on the minus strand). VCF-style: chr8-89946136-C-T. GRCh37 (hg19) VCF-style: chr8-90958364-C-T.
Other names: c.1824+4G>A (NM_001024688.3).
Identifiers: ClinVar variation 234238 (VCV000234238.32), dbSNP rs876660950, ClinGen allele CA10578746.
Genomic context (GRCh38, chr8:89,946,136, plus strand): 5'-CATCACTGGTATCTCTAAAAACATTTCAAACACTGACCTCTTGTGATACAGTTGAAATAC[C>T]TACCTTTTTGAATTTCTTGAAATTTTTTAGTTGACCATAATCATCATTTATGCCAGATGG-3'